The following is an entry in ClinVar:

NM_000246.4(CIITA):c.888C>A (p.Asp296Glu)

Gene: CIITA (class II major histocompatibility complex transactivator; plus strand). Cytogenetic location: 16p13.13.
Variant type: single nucleotide variant.
Coding change: c.888C>A on transcript NM_000246.4 (MANE Select); coding-DNA position 888, C replaced by A.
Protein change: p.Asp296Glu; replaces aspartic acid 296 with glutamic acid.
Molecular consequence: missense variant. On other transcripts: non-coding transcript variant (1).
Genome position (GRCh38, 1-based): chr16:10,903,846, C>A. VCF-style: chr16-10903846-C-A. GRCh37 (hg19) VCF-style: chr16-10997703-C-A.
Other names: c.891C>A, p.Asp297Glu (NM_001286402.1, NM_001379332.1); c.741C>A, p.Asp247Glu (NM_001286403.2, NM_001379331.1); c.744C>A, p.Asp248Glu (NM_001379330.1); c.888C>A, p.Asp296Glu (NM_001379333.1); c.819C>A, p.Asp273Glu (NM_001379334.1); short protein forms D248E, D273E, D297E, D247E, D296E.
Identifiers: ClinVar variation 2072963 (VCV002072963.1), dbSNP rs754504346, ClinGen allele CA7899934.

ClinVar aggregate classification (germline): Uncertain significance (1 of 4 stars; one submission).

Conditions:
MHC class II deficiency. Also called: Bare lymphocyte syndrome 2; BLS, TYPE II. Identifiers: Orphanet 572, MedGen C5447452, MONDO:0008855.

Allele frequency attached by ClinVar (database versions not stated): TOPMed 0.00001; ExAC 0.00002.

Submission:

Labcorp Genetics (formerly Invitae), Labcorp
Classification: Uncertain significance for MHC class II deficiency. Last evaluated: 2022-07-29. Review status: criteria provided, single submitter. Criteria: Invitae Variant Classification Sherloc (09022015). Collection method: clinical testing. Allele origin: germline.
Comment: This sequence change replaces aspartic acid, which is acidic and polar, with glutamic acid, which is acidic and polar, at codon 296 of the CIITA protein (p.Asp296Glu). This variant is present in population databases (rs754504346, gnomAD 0.002%). This variant has not been reported in the literature in individuals affected with CIITA-related conditions. Algorithms developed to predict the effect of missense changes on protein structure and function (SIFT, PolyPhen-2, Align-GVGD) all suggest that this variant is likely to be tolerated. In summary, the available evidence is currently insufficient to determine the role of this variant in disease. Therefore, it has been classified as a Variant of Uncertain Significance.